The following is an entry in ClinVar:

NM_006767.4(LZTR1):c.955C>T (p.Gln319Ter)

Gene: LZTR1 (leucine zipper like post translational regulator 1; plus strand). Cytogenetic location: 22q11.21.
Variant type: single nucleotide variant.
Coding change: c.955C>T on transcript NM_006767.4 (MANE Select); coding-DNA position 955, C replaced by T.
Protein change: p.Gln319Ter; replaces glutamine 319 with a stop codon.
Molecular consequence: nonsense.
Genome position (GRCh38, 1-based): chr22:20,991,791, C>T. VCF-style: chr22-20991791-C-T. GRCh37 (hg19) VCF-style: chr22-21346080-C-T.
Other names: c.955C>T (NM_006767.3); short protein forms Q319*.
Identifiers: ClinVar variation 1458925 (VCV001458925.9), dbSNP rs1924617179, ClinGen allele CA410781548.

ClinVar aggregate classification (germline): Pathogenic/Likely pathogenic. Review status: criteria provided, multiple submitters, no conflicts (2 of 4 stars). 4 submissions from 4 submitters: Pathogenic (2); Likely pathogenic (2). Last evaluated 2025-10-22.

Conditions:
LZTR1-related disorder. Also called: LZTR1-related disorders; LZTR1-related condition.
Cardiovascular phenotype. Identifiers: MedGen CN230736.
Hereditary cancer-predisposing syndrome. Also called: Tumor predisposition; Hereditary neoplastic syndrome; Neoplastic Syndromes, Hereditary; Hereditary Cancer Syndrome. Identifiers: Orphanet 140162, MedGen C0027672, MeSH D009386, MONDO:0015356.

Allele frequency attached by ClinVar (database versions not stated): gnomAD exomes below 0.00001; gnomAD 0.00001.
gnomAD v4.1: 4 of 1,552,516 alleles (0.00026%); highest among the groups gnomAD compares: East Asian, 0.0024%; no homozygotes.

Submissions (4):

Labcorp Genetics (formerly Invitae), Labcorp
Classification: Pathogenic. Last evaluated: 2025-10-22. Review status: criteria provided, single submitter. Criteria: Invitae Variant Classification Sherloc (09022015). Collection method: clinical testing. Allele origin: germline.
Comment: This sequence change creates a premature translational stop signal (p.Gln319*) in the LZTR1 gene. It is expected to result in an absent or disrupted protein product. Loss-of-function variants in LZTR1 are known to be pathogenic (PMID: 24362817, 25335493, 25480913, 25795793, 29469822, 30368668, 30442762, 30442766, 30481304, 30859559). This variant is not present in population databases (gnomAD no frequency). This premature translational stop signal has been observed in individual(s) with osteosarcoma (PMID: 33332384). ClinVar contains an entry for this variant (Variation ID: 1458925). For these reasons, this variant has been classified as Pathogenic.

GeneDx
Classification: Likely pathogenic. Last evaluated: 2025-06-24. Review status: criteria provided, single submitter. Criteria: GeneDx Variant Classification Process June 2021. Collection method: clinical testing. Allele origin: germline.
Comment: Identified in a patient with osteosarcoma, but familial segregation information and additional clinical information was not included (PMID: 33332384); Nonsense variant predicted to result in protein truncation or nonsense mediated decay in a gene for which loss of function is a known mechanism of disease; Not observed at significant frequency in large population cohorts (gnomAD); This variant is associated with the following publications: (PMID: 24362817, 29469822, 25335493, 30859559, 30442762, 25480913, 33332384)

Ambry Genetics
Classification: Pathogenic for Cardiovascular phenotype; Hereditary cancer-predisposing syndrome. Last evaluated: 2024-11-08. Review status: criteria provided, single submitter. Criteria: Ambry Variant Classification Scheme 2023. Collection method: clinical testing. Allele origin: germline.
Comment: The p.Q319* pathogenic mutation (also known as c.955C>T), located in coding exon 9 of the LZTR1 gene, results from a C to T substitution at nucleotide position 955. This changes the amino acid from a glutamine to a stop codon within coding exon 9. This variant was reported in a child with osteosarcoma and a second degree relative with lymphoma (Byrjalsen A et al. PLoS Genet, 2020 Dec;16:e1009231). This variant is considered to be rare based on population cohorts in the Genome Aggregation Database (gnomAD). In addition to the information presented in the literature, this alteration is expected to result in loss of function by premature protein truncation or nonsense-mediated mRNA decay. Loss-of-function variants in LZTR1 are related to an increased risk for schwannomas and autosomal recessive Noonan syndrome; however, such associations with autosomal dominant Noonan syndrome have not been observed (Piotrowski A et al. Nat Genet. 2014 Feb;46:182-7; Yamamoto GL et al. J Med Genet. 2015 Jun;52:413-21; Johnston JJ et al. Genet Med. 2018 10;20:1175-1185). Based on the supporting evidence, this variant is pathogenic for an increased risk of LZTR1-related schwannomatosis (SWN) and would be expected to cause autosomal recessive Noonan syndrome when present along with a second pathogenic or likely pathogenic variant on the other allele; however, the association of this alteration with autosomal dominant Noonan syndrome is unlikely.

Blueprint Genetics
Classification: Likely pathogenic for LZTR1-related disorders. Last evaluated: 2021-09-15. Review status: criteria provided, single submitter. Criteria: ACMG Guidelines, 2015. Collection method: clinical testing. Allele origin: germline. Affected: yes. Observed: 1 variant allele.

Literature cited by the submitters: PubMed 24362817 (cited by Labcorp Genetics (formerly Invitae), Labcorp); PubMed 25335493 (cited by Labcorp Genetics (formerly Invitae), Labcorp); PubMed 25480913 (cited by Labcorp Genetics (formerly Invitae), Labcorp); PubMed 25795793 (cited by Labcorp Genetics (formerly Invitae), Labcorp); PubMed 29469822 (cited by Labcorp Genetics (formerly Invitae), Labcorp); PubMed 30368668 (cited by Labcorp Genetics (formerly Invitae), Labcorp); PubMed 30442762 (cited by Labcorp Genetics (formerly Invitae), Labcorp); PubMed 30442766 (cited by Labcorp Genetics (formerly Invitae), Labcorp); PubMed 30481304 (cited by Labcorp Genetics (formerly Invitae), Labcorp); PubMed 30859559 (cited by Labcorp Genetics (formerly Invitae), Labcorp); PubMed 33332384 (cited by Labcorp Genetics (formerly Invitae), Labcorp and Ambry Genetics).